The following is an entry in ClinVar:

NM_020884.7(MYH7B):c.4520G>A (p.Arg1507Gln)

Gene: MYH7B (myosin heavy chain 7B; plus strand). Cytogenetic location: 20q11.22.
Variant type: single nucleotide variant.
Coding change: c.4520G>A on transcript NM_020884.7 (MANE Select); coding-DNA position 4520, G replaced by A.
Protein change: p.Arg1507Gln; replaces arginine 1507 with glutamine.
Molecular consequence: missense variant.
Genome position (GRCh38, 1-based): chr20:34,999,385, G>A. VCF-style: chr20-34999385-G-A. GRCh37 (hg19) VCF-style: chr20-33587188-G-A.
Other names: short protein forms R1507Q.
Identifiers: ClinVar variation 4706038 (VCV004706038.1).

ClinVar aggregate classification (germline): Uncertain significance (1 of 4 stars; one submission).

gnomAD v4.1: 53 of 1,523,252 alleles (0.0035%); highest among the groups gnomAD compares: East Asian, 0.028%; no homozygotes.

Submission:

Labcorp Genetics (formerly Invitae), Labcorp
Classification: Uncertain significance. Last evaluated: 2025-08-07. Review status: criteria provided, single submitter. Criteria: Invitae Variant Classification Sherloc (09022015). Collection method: clinical testing. Allele origin: germline.
Comment: This sequence change replaces arginine, which is basic and polar, with glutamine, which is neutral and polar, at codon 1549 of the MYH7B protein (p.Arg1549Gln). The frequency data for this variant in the population databases is considered unreliable, as metrics indicate poor data quality at this position in the gnomAD database. This variant has not been reported in the literature in individuals affected with MYH7B-related conditions. Invitae Evidence Modeling of protein sequence and biophysical properties (such as structural, functional, and spatial information, amino acid conservation, physicochemical variation, residue mobility, and thermodynamic stability) has been performed for this missense variant. However, the output from this modeling did not meet the statistical confidence thresholds required to predict the impact of this variant on MYH7B protein function. In summary, the available evidence is currently insufficient to determine the role of this variant in disease. Therefore, it has been classified as a Variant of Uncertain Significance.